The following is an entry in ClinVar:

ClinVar aggregate classification (germline): Uncertain significance (1 of 4 stars; one submission).

Allele frequency attached by ClinVar (database versions not stated): ExAC 0.00001; gnomAD 0.00001; gnomAD exomes 0.00001.
gnomAD v4.1: 15 of 1,613,848 alleles (0.00093%); highest among the groups gnomAD compares: Admixed American, 0.0017%; no homozygotes.

Submission:

Women's Health and Genetics/Laboratory Corporation of America, LabCorp
Classification: Uncertain significance. Last evaluated: 2023-11-14. Review status: criteria provided, single submitter. Criteria: LabCorp Variant Classification Summary - May 2015. Collection method: clinical testing. Allele origin: germline.
Comment: Variant summary: CWF19L1 c.1037G>T (p.Gly346Val) results in a non-conservative amino acid change located in the Cwf19-like, C-terminal domain-1 (IPR006768) of the encoded protein sequence. Four of five in-silico tools predict a damaging effect of the variant on protein function. The variant allele was found at a frequency of 1.6e-05 in 251476 control chromosomes. The available data on variant occurrences in the general population are insufficient to allow any conclusion about variant significance. To our knowledge, no occurrence of c.1037G>T in individuals affected with Autosomal Recessive Spinocerebellar Ataxia 17 and no experimental evidence demonstrating its impact on protein function have been reported. No submitters have cited clinical-significance assessments for this variant to ClinVar after 2014. Based on the evidence outlined above, the variant was classified as uncertain significance.

NM_018294.6(CWF19L1):c.1037G>T (p.Gly346Val)

Gene: CWF19L1 (CWF19 like cell cycle control factor 1; minus strand). Cytogenetic location: 10q24.31.
Variant type: single nucleotide variant.
Coding change: c.1037G>T on transcript NM_018294.6 (MANE Select); coding-DNA position 1037, G replaced by T.
Protein change: p.Gly346Val; replaces glycine 346 with valine.
Molecular consequence: missense variant.
Genome position (GRCh38, 1-based): chr10:100,243,705, C>A on the plus strand (G>T on the coding strand, the complement: CWF19L1 is on the minus strand). VCF-style: chr10-100243705-C-A. GRCh37 (hg19) VCF-style: chr10-102003462-C-A.
Other names: c.1037G>T, p.Gly346Val (NM_001303404.2); c.626G>T, p.Gly209Val (NM_001303405.2, NM_001303406.2); c.302G>T, p.Gly101Val (NM_001303407.2); short protein forms G101V, G209V, G346V.
Identifiers: ClinVar variation 2682516 (VCV002682516.1), dbSNP rs779566388, ClinGen allele CA5646988.
Genomic context (GRCh38, chr10:100,243,705, plus strand): 5'-ATAAAAAACAAATAGGCATCTCCTTCTCTATAAAGTCCAAGGAAGTAACTCACATGTGTG[C>A]CGATGTTGACCACCAAATGTTTTTCCACTTCAGGGCTAGCAAGGCAAAACCAGCAGGGTC-3'
Protein context (NP_060764.3, residues 336-356): EVEKHLVVNI[Gly346Val]THCYLALAKG